The following is an entry in ClinVar:

ClinVar aggregate classification (germline): Conflicting classifications of pathogenicity. Review status: criteria provided, conflicting classifications (1 of 4 stars). 7 submissions from 7 submitters: Uncertain significance (4); Likely benign (1). 2 of the submissions do not count toward it. Last evaluated 2026-01-01.

Conditions:
Endometrial carcinoma. Also called: Endometrial carcinoma, somatic. Identifiers: MedGen C0476089, MONDO:0002447, OMIM 608089, HP:0012114.
Familial cancer of breast. Also called: BREAST CANCER, FAMILIAL; hereditary breast carcinoma; Hereditary breast cancer. Identifiers: Orphanet 227535, MedGen C0346153, MONDO:0016419, OMIM 114480. Disease mechanism: loss of function.
Hereditary cancer-predisposing syndrome. Also called: Tumor predisposition; Hereditary Cancer Syndrome; Hereditary neoplastic syndrome; Neoplastic Syndromes, Hereditary. Identifiers: Orphanet 140162, MedGen C0027672, MeSH D009386, MONDO:0015356.
Ataxia-telangiectasia syndrome (AT). Also called: LOUIS-BAR SYNDROME; Cerebello-oculocutaneous telangiectasia; Immunodeficiency with ataxia telangiectasia; ATAXIA-TELANGIECTASIA, COMPLEMENTATION GROUP A; ATAXIA-TELANGIECTASIA, FRESNO VARIANT; Ataxia-telangiectasia. Identifiers: Orphanet 100, MedGen C0004135, MONDO:0008840, OMIM 208900.

Allele frequency attached by ClinVar (database versions not stated): TOPMed 0.00001; gnomAD 0.00003.
gnomAD v4.1: 4 of 1,611,338 alleles (0.00025%); highest among the groups gnomAD compares: African/African-American, 0.004%; no homozygotes.

Submissions (7):

Labcorp Genetics (formerly Invitae), Labcorp
Classification: Uncertain significance for Ataxia-telangiectasia syndrome. Last evaluated: 2026-01-01. Review status: criteria provided, single submitter. Criteria: Invitae Variant Classification Sherloc (09022015). Collection method: clinical testing. Allele origin: germline.
Comment: This sequence change replaces tyrosine, which is neutral and polar, with phenylalanine, which is neutral and non-polar, at codon 731 of the ATM protein (p.Tyr731Phe). This variant is not present in population databases (gnomAD no frequency). This variant has not been reported in the literature in individuals affected with ATM-related conditions. ClinVar contains an entry for this variant (Variation ID: 181925). Invitae Evidence Modeling of protein sequence and biophysical properties (such as structural, functional, and spatial information, amino acid conservation, physicochemical variation, residue mobility, and thermodynamic stability) indicates that this missense variant is not expected to disrupt ATM protein function with a negative predictive value of 95%. In summary, the available evidence is currently insufficient to determine the role of this variant in disease. Therefore, it has been classified as a Variant of Uncertain Significance.

Ambry Genetics
Classification: Uncertain significance for Hereditary cancer-predisposing syndrome. Last evaluated: 2025-10-07. Review status: criteria provided, single submitter. Criteria: Ambry Variant Classification Scheme 2023. Collection method: clinical testing. Allele origin: germline.
Comment: The p.Y731F variant (also known as c.2192A>T), located in coding exon 13 of the ATM gene, results from an A to T substitution at nucleotide position 2192. The tyrosine at codon 731 is replaced by phenylalanine, an amino acid with highly similar properties. This amino acid position is not well conserved in available vertebrate species. In addition, this alteration is predicted to be tolerated by in silico analysis. Since supporting evidence is limited at this time, the clinical significance of this alteration remains unclear.

Color Diagnostics, LLC DBA Color Health
Classification: Likely benign for Hereditary cancer-predisposing syndrome. Last evaluated: 2025-09-04. Review status: criteria provided, single submitter. Criteria: ACMG Guidelines, 2015. Collection method: clinical testing. Allele origin: germline.

Baylor Genetics
Classification: Uncertain significance for Familial cancer of breast. Last evaluated: 2023-09-30. Review status: criteria provided, single submitter. Criteria: ACMG Guidelines, 2015. Collection method: clinical testing. Allele origin: unknown.

GeneDx
Classification: Uncertain significance. Last evaluated: 2017-11-14. Review status: criteria provided, single submitter. Criteria: GeneDx Variant Classification (06012015). Collection method: clinical testing. Allele origin: germline. Affected: yes.
Comment: This variant is denoted ATM c.2192A>T at the cDNA level, p.Tyr731Phe (Y731F) at the protein level, and results in the change of a Tyrosine to a Phenylalanine (TAC>TTC). This variant has not, to our knowledge, been published in the literature as pathogenic or benign. ATM Tyr731Phe was not observed in large population cohorts (Lek 2016). Since Tyrosine and Phenylalanine differ in polarity, charge, size or other properties, this is considered a non-conservative amino acid substitution. ATM Tyr731Phe is not located in a known functional domain. In-silico analyses, including protein predictors and evolutionary conservation, support that this variant does not alter protein structure or function. Based on currently available evidence, it is unclear whether ATM Tyr731Phe is a pathogenic or benign variant. We consider it to be a variant of uncertain significance.

Natera, Inc.
Classification: Uncertain significance for Ataxia-telangiectasia. Last evaluated: 2021-06-08. Review status: no assertion criteria provided. Collection method: clinical testing. Allele origin: germline. Not counted in ClinVar's aggregate classification.

Department of Pathology and Laboratory Medicine, Sinai Health System
Classification: Uncertain significance for Endometrial carcinoma. Review status: no assertion criteria provided. Collection method: clinical testing. Allele origin: unknown. Affected: yes. Study: The Canadian Open Genetics Repository (COGR). Not counted in ClinVar's aggregate classification.
Comment: ATM, EXON14, c.2192A>T, p.Tyr731Phe, Heterozygous, Uncertain SignificancernThe ATM p.Tyr731Phe variant was not identified in the literature nor was it identified in the LOVD 3.0 database. The variant was identified in dbSNP (ID: rs730881345) â€šÃ„ÃºWith Uncertain significance alleleâ€šÃ„Ã¹ and ClinVar (classified uncertain significance by Invitae, GeneDx and Ambry Genetics). The variant was not identified in the following control databases: the Exome Aggregation Consortium (August 8th 2016) or the Genome Aggregation Database (Feb 27, 2017). The p.Tyr731 residue is not conserved in mammals and computational analyses (PolyPhen-2, SIFT, AlignGVGD, BLOSUM, MutationTaster) do not suggest a high likelihood of impact to the protein; however, this information is not predictive enough to rule out pathogenicity. The variant occurs outside of the splicing consensus sequence and in silico or computational prediction software programs (SpliceSiteFinder, MaxEntScan, NNSPLICE, GeneSplicer) do not predict a difference in splicing. In summary, based on the above information, the clinical significance of this variant cannot be determined with certainty at this time. This variant is classified as a variant of uncertain significance. Assessment Date: 2019/07/11

NM_000051.4(ATM):c.2192A>T (p.Tyr731Phe)

Gene: ATM (ATM serine/threonine kinase; plus strand). Cytogenetic location: 11q22.3.
Variant type: single nucleotide variant.
Coding change: c.2192A>T on transcript NM_000051.4 (MANE Select); coding-DNA position 2192, A replaced by T.
Protein change: p.Tyr731Phe; replaces tyrosine 731 with phenylalanine.
Molecular consequence: missense variant.
Genome position (GRCh38, 1-based): chr11:108,256,282, A>T. VCF-style: chr11-108256282-A-T. GRCh37 (hg19) VCF-style: chr11-108127009-A-T.
Other names: p.Y731F:TAC>TTC; c.2192A>T, p.Tyr731Phe (NM_001351834.2); short protein forms Y731F.
Identifiers: ClinVar variation 181925 (VCV000181925.22), dbSNP rs730881345, ClinGen allele CA298159.
Genomic context (GRCh38, chr11:108,256,282, plus strand): 5'-ATTCAGAAACTCTTGTCCGGTGTTCACGTCTTTTGGTGGGTGTCCTTGGCTGCTACTGTT[A>T]CATGGGTGTAATAGCTGAAGAGGAAGCATATAAGTCAGAATTATTCCAGAAAGCCAAGGT-3'
Protein context (NP_000042.3, residues 721-741): LLVGVLGCYC[Tyr731Phe]MGVIAEEEAY